The following is an entry in ClinVar:

NM_017777.4(MKS1):c.80+2T>C

Genes: MKS1 (MKS transition zone complex subunit 1; minus strand), LOC130061271 (ATAC-STARR-seq lymphoblastoid active region 12461; plus strand). Cytogenetic location: 17q22.
Variant type: single nucleotide variant.
Coding change: c.80+2T>C on transcript NM_017777.4 (MANE Select); the canonical splice donor site of the intron after coding-DNA position 80, T replaced by C.
Molecular consequence: splice donor variant.
Genome position (GRCh38, 1-based): chr17:58,219,149, A>G on the plus strand (T>C on the coding strand, the complement: MKS1 is on the minus strand). VCF-style: chr17-58219149-A-G. GRCh37 (hg19) VCF-style: chr17-56296510-A-G.
Other names: IVS1DS, T-C, +2; c.-432+2T>C (NM_001321268.2); c.80+2T>C (NM_001330397.2, NM_001321269.2, NM_001411113.1).
Identifiers: ClinVar variation 1390 (VCV000001390.3), dbSNP rs386834052, ClinGen allele CA342695.
Genomic context (GRCh38, chr17:58,219,149, plus strand): 5'-CAGGTTGGAATGATCTAAGGACACAAAAGCATGGGGCCTCGGGGCTGGGGCGGTGCGACT[A>G]CCGGAGGCGCAAGTTGCGCACGGGGTCCCGGGAGCGATACACTGCCTCCCCGGTGTCAGT-3'

ClinVar aggregate classification (germline): Pathogenic/Likely pathogenic. Review status: no assertion criteria provided (0 of 4 stars). 3 submissions from 3 submitters: Pathogenic (1); Likely pathogenic (2). Last evaluated 2017-02-24.

Conditions:
Meckel syndrome, type 1 (MKS1). Also called: MECKEL-GRUBER SYNDROME, TYPE 1. Identifiers: Orphanet 564, MedGen C3714506, MONDO:0009571, OMIM 249000.
Joubert syndrome 28 (JBTS28). Identifiers: MedGen C4310705, MONDO:0014928, OMIM 617121.
Bardet-Biedl syndrome 13 (BBS13). Identifiers: Orphanet 110, MedGen C2673873, MONDO:0014441, OMIM 615990.

Allele frequency attached by ClinVar (database versions not stated): gnomAD exomes below 0.00001.
gnomAD v4.1: 1 of 1,551,140 alleles (0.000064%); highest among the groups gnomAD compares: Non-Finnish European, 0.000087%; no homozygotes.

Submissions (3):

Counsyl
Classification: Likely pathogenic for Meckel syndrome, type 1; Bardet-Biedl syndrome 13; Joubert syndrome 28. Last evaluated: 2017-02-24. Review status: no assertion criteria provided. Collection method: clinical testing. Allele origin: unknown.

OMIM
Classification: Pathogenic for MECKEL SYNDROME, TYPE 1. Last evaluated: 2006-02-01. Review status: no assertion criteria provided. Collection method: literature only. Allele origin: germline.

Juha Muilu Group; Institute for Molecular Medicine Finland (FIMM)
Classification: Likely pathogenic for Meckel syndrome type1. Review status: no assertion criteria provided. Collection method: not provided. Allele origin: unknown.
Comment: FinDis database variant: This variant was not found or characterized by our laboratory, data were collected from public sources: see reference
ClinVar note: Converted during submission from probable-pathogenic to Likely pathogenic.

Literature cited by the submitters: PubMed 16415886 (cited by Counsyl and OMIM).